The following is an entry in ClinVar:

ClinVar aggregate classification (germline): Uncertain significance (1 of 4 stars; one submission).

Conditions:
Kabuki syndrome. Also called: NIIKAWA-KUROKI SYNDROME; Kabuki make-up syndrome. Identifiers: Orphanet 2322, MedGen C0796004, MONDO:0016512.

Submission:

Labcorp Genetics (formerly Invitae), Labcorp
Classification: Uncertain significance for Kabuki syndrome. Last evaluated: 2024-08-06. Review status: criteria provided, single submitter. Criteria: Invitae Variant Classification Sherloc (09022015). Collection method: clinical testing. Allele origin: germline.
Comment: This sequence change replaces arginine, which is basic and polar, with glycine, which is neutral and non-polar, at codon 5007 of the KMT2D protein (p.Arg5007Gly). This variant is not present in population databases (gnomAD no frequency). This variant has not been reported in the literature in individuals affected with KMT2D-related conditions. Advanced modeling of protein sequence and biophysical properties (such as structural, functional, and spatial information, amino acid conservation, physicochemical variation, residue mobility, and thermodynamic stability) performed at Invitae indicates that this missense variant is not expected to disrupt KMT2D protein function with a negative predictive value of 95%. In summary, the available evidence is currently insufficient to determine the role of this variant in disease. Therefore, it has been classified as a Variant of Uncertain Significance.

NM_003482.4(KMT2D):c.15019C>G (p.Arg5007Gly)

Gene: KMT2D (lysine methyltransferase 2D; minus strand). Cytogenetic location: 12q13.12.
Variant type: single nucleotide variant.
Coding change: c.15019C>G on transcript NM_003482.4 (MANE Select); coding-DNA position 15019, C replaced by G.
Protein change: p.Arg5007Gly; replaces arginine 5007 with glycine.
Molecular consequence: missense variant.
Genome position (GRCh38, 1-based): chr12:49,026,947, G>C on the plus strand (C>G on the coding strand, the complement: KMT2D is on the minus strand). VCF-style: chr12-49026947-G-C. GRCh37 (hg19) VCF-style: chr12-49420730-G-C.
Other names: short protein forms R5007G.
Identifiers: ClinVar variation 3677634 (VCV003677634.2).